The following is an entry in ClinVar:

NM_197968.4(ZMYM2):c.1851+1G>A

Gene: ZMYM2 (zinc finger MYM-type containing 2; plus strand). Cytogenetic location: 13q12.11.
Variant type: single nucleotide variant.
Coding change: c.1851+1G>A on transcript NM_197968.4 (MANE Select); the canonical splice donor site of the intron after coding-DNA position 1851, G replaced by A.
Molecular consequence: splice donor variant.
Genome position (GRCh38, 1-based): chr13:20,027,319, G>A. VCF-style: chr13-20027319-G-A. GRCh37 (hg19) VCF-style: chr13-20601459-G-A.
Other names: c.1590+1G>A (NM_001353163.2); c.1851+1G>A (NM_001353157.2, NM_001353164.2, NM_001353159.2 and 5 more transcripts); c.1656+1G>A (NM_001353161.3).
Identifiers: ClinVar variation 3894543 (VCV003894543.1).

ClinVar aggregate classification (germline): Likely pathogenic (1 of 4 stars; one submission).

Conditions:
Neurodevelopmental-craniofacial syndrome with variable renal and cardiac abnormalities. Identifiers: MedGen C5561984, MONDO:0859190, OMIM 619522.

Submission:

MVZ Medizinische Genetik Mainz
Classification: Likely pathogenic for Neurodevelopmental-craniofacial syndrome with variable renal and cardiac abnormalities. Last evaluated: 2025-03-19. Review status: criteria provided, single submitter. Criteria: UK Practice Guidelines For Variant Classification V4 01 2020. Collection method: clinical testing. Allele origin: germline. Inheritance: Autosomal dominant inheritance. Affected: yes. Observed: 1 variant allele.
Comment: ACMG Criteria: PVS1,PM2_SUP